The following is an entry in ClinVar:

NM_001142966.3(GREB1L):c.1631A>C (p.Glu544Ala)

Genes: GREB1L (GREB1 like retinoic acid receptor coactivator; plus strand), GREB1L-AS1 (GREB1L antisense RNA 1; minus strand). Cytogenetic location: 18q11.1.
Variant type: single nucleotide variant.
Coding change: c.1631A>C on transcript NM_001142966.3 (MANE Select); coding-DNA position 1631, A replaced by C.
Protein change: p.Glu544Ala; replaces glutamic acid 544 with alanine.
Molecular consequence: missense variant. On other transcripts: intron variant (1).
Genome position (GRCh38, 1-based): chr18:21,449,747, A>C. VCF-style: chr18-21449747-A-C. GRCh37 (hg19) VCF-style: chr18-19029708-A-C.
Other names: c.1760A>C, p.Glu587Ala (NM_001410867.1); c.1394-1276A>C (NM_001410868.1); short protein forms E544A, E587A.
Identifiers: ClinVar variation 4703819 (VCV004703819.1).

ClinVar aggregate classification (germline): Uncertain significance (1 of 4 stars; one submission).

Submission:

Labcorp Genetics (formerly Invitae), Labcorp
Classification: Uncertain significance. Last evaluated: 2025-08-23. Review status: criteria provided, single submitter. Criteria: Invitae Variant Classification Sherloc (09022015). Collection method: clinical testing. Allele origin: germline.
Comment: This sequence change replaces glutamic acid, which is acidic and polar, with alanine, which is neutral and non-polar, at codon 544 of the GREB1L protein (p.Glu544Ala). This variant is present in population databases (rs769998591, gnomAD 0.04%), and has an allele count higher than expected for a pathogenic variant. This variant has not been reported in the literature in individuals affected with GREB1L-related conditions. An algorithm developed to predict the effect of missense changes on protein structure and function (PolyPhen-2) suggests that this variant is likely to be disruptive. In summary, the available evidence is currently insufficient to determine the role of this variant in disease. Therefore, it has been classified as a Variant of Uncertain Significance.